The following is an entry in ClinVar:

ClinVar aggregate classification (germline): Uncertain significance (1 of 4 stars; one submission).

Conditions:
Familial hemiplegic migraine. Identifiers: MedGen C0338484, MONDO:0000700.

gnomAD v4.1: 10 of 1,613,998 alleles (0.00062%); highest among the groups gnomAD compares: East Asian, 0.0067%; no homozygotes.

Submission:

Labcorp Genetics (formerly Invitae), Labcorp
Classification: Uncertain significance for Familial hemiplegic migraine. Last evaluated: 2024-11-12. Review status: criteria provided, single submitter. Criteria: Invitae Variant Classification Sherloc (09022015). Collection method: clinical testing. Allele origin: germline.
Comment: This sequence change replaces arginine, which is basic and polar, with glutamine, which is neutral and polar, at codon 65 of the ATP1A2 protein (p.Arg65Gln). This variant is present in population databases (rs187733403, gnomAD 0.01%). This variant has not been reported in the literature in individuals affected with ATP1A2-related conditions. ClinVar contains an entry for this variant (Variation ID: 2903113). Invitae Evidence Modeling of protein sequence and biophysical properties (such as structural, functional, and spatial information, amino acid conservation, physicochemical variation, residue mobility, and thermodynamic stability) indicates that this missense variant is not expected to disrupt ATP1A2 protein function with a negative predictive value of 80%. In summary, the available evidence is currently insufficient to determine the role of this variant in disease. Therefore, it has been classified as a Variant of Uncertain Significance.

NM_000702.4(ATP1A2):c.194G>A (p.Arg65Gln)

Gene: ATP1A2 (ATPase Na+/K+ transporting subunit alpha 2; plus strand). Cytogenetic location: 1q23.2.
Variant type: single nucleotide variant.
Coding change: c.194G>A on transcript NM_000702.4 (MANE Select); coding-DNA position 194, G replaced by A.
Protein change: p.Arg65Gln; replaces arginine 65 with glutamine.
Molecular consequence: missense variant.
Genome position (GRCh38, 1-based): chr1:160,123,229, G>A. VCF-style: chr1-160123229-G-A. GRCh37 (hg19) VCF-style: chr1-160093019-G-A.
Other names: short protein forms R65Q.
Identifiers: ClinVar variation 2903113 (VCV002903113.3), dbSNP rs187733403, ClinGen allele CA1194140.